The following is an entry in ClinVar:

NM_005633.4(SOS1):c.3256C>T (p.Pro1086Ser)

Gene: SOS1 (SOS Ras/Rac guanine nucleotide exchange factor 1; minus strand). Cytogenetic location: 2p22.1.
Variant type: single nucleotide variant.
Coding change: c.3256C>T on transcript NM_005633.4 (MANE Select); coding-DNA position 3256, C replaced by T.
Protein change: p.Pro1086Ser; replaces proline 1086 with serine.
Molecular consequence: missense variant.
Genome position (GRCh38, 1-based): chr2:38,995,213, G>A on the plus strand (C>T on the coding strand, the complement: SOS1 is on the minus strand). VCF-style: chr2-38995213-G-A. GRCh37 (hg19) VCF-style: chr2-39222354-G-A.
Other names: c.3235C>T, p.Pro1079Ser (NM_001382394.1); c.3256C>T, p.Pro1086Ser (NM_001382395.1); short protein forms P1079S, P1086S.
Identifiers: ClinVar variation 1050826 (VCV001050826.1), dbSNP rs1057517892, ClinGen allele CA346360595.
Genomic context (GRCh38, chr2:38,995,213, plus strand): 5'-CAAATACACTGCAAACATCTGTGGTACTGGAAGCACCAGAAGCAGGCGGAGGTGTTAACG[G>A]TGTTCTTGGAGAATTTGGTGCAGATGCTGTACTTTCTGTTTCACTTTCAGGGATCCTACT-3'
Protein context (NP_005624.2, residues 1076-1096): TASAPNSPRT[Pro1086Ser]LTPPPASGAS

ClinVar aggregate classification (germline): Uncertain significance (1 of 4 stars; one submission).

gnomAD v4.1: 1 of 1,613,988 alleles (0.000062%); no homozygotes.

Submission:

Women's Health and Genetics/Laboratory Corporation of America, LabCorp
Classification: Uncertain significance. Last evaluated: 2021-03-25. Review status: criteria provided, single submitter. Criteria: LabCorp Variant Classification Summary - May 2015. Collection method: clinical testing. Allele origin: germline.
Comment: Variant summary: SOS1 c.3256C>T (p.Pro1086Ser) results in a non-conservative amino acid change in the encoded protein sequence. Three of five in-silico tools predict a benign effect of the variant on protein function. The variant was absent in 251096 control chromosomes. The available data on variant occurrences in the general population are insufficient to allow any conclusion about variant significance. To our knowledge, no occurrence of c.3256C>T in individuals affected with Noonan Syndrome and no experimental evidence demonstrating its impact on protein function have been reported. No clinical diagnostic laboratories have submitted clinical-significance assessments for this variant to ClinVar after 2014. Based on the evidence outlined above, the variant was classified as uncertain significance.